The following is an entry in ClinVar:

NM_020297.4(ABCC9):c.2011G>T (p.Ala671Ser)

Gene: ABCC9 (ATP binding cassette subfamily C member 9; minus strand). Cytogenetic location: 12p12.1.
Variant type: single nucleotide variant.
Coding change: c.2011G>T on transcript NM_020297.4 (MANE Select); coding-DNA position 2011, G replaced by T.
Protein change: p.Ala671Ser; replaces alanine 671 with serine.
Molecular consequence: missense variant.
Genome position (GRCh38, 1-based): chr12:21,882,774, C>A on the plus strand (G>T on the coding strand, the complement: ABCC9 is on the minus strand). VCF-style: chr12-21882774-C-A. GRCh37 (hg19) VCF-style: chr12-22035708-C-A.
Other names: c.2011G>T, p.Ala671Ser (NM_001377273.1, NM_005691.4); c.1147G>T, p.Ala383Ser (NM_001377274.1); short protein forms A383S, A671S.
Identifiers: ClinVar variation 4805428 (VCV004805428.1).
Genomic context (GRCh38, chr12:21,882,774, plus strand): 5'-ATAGTAACATAAATGTTTCTATTCATGTAAGAATCCAGGAAATAAAAATAACCTTTATTG[C>A]AATGTCCTCTGTTTCTGCGGGACGTAGACGCCGTGTTGATTGCTCATAGCTGTCCAGGTG-3'
Protein context (NP_064693.2, residues 661-681): RLRPAETEDI[Ala671Ser]IKVTNGYFSW

ClinVar aggregate classification (germline): Uncertain significance (1 of 4 stars; one submission).

Conditions:
Dilated cardiomyopathy 1O (CMD1O). Also called: CARDIOMYOPATHY, DILATED, WITH VENTRICULAR TACHYCARDIA. Identifiers: Orphanet 154, MedGen C1837839, MONDO:0012062, OMIM 608569.

Submission:

Labcorp Genetics (formerly Invitae), Labcorp
Classification: Uncertain significance for Dilated cardiomyopathy 1O. Last evaluated: 2025-08-13. Review status: criteria provided, single submitter. Criteria: Invitae Variant Classification Sherloc (09022015). Collection method: clinical testing. Allele origin: germline.
Comment: This sequence change replaces alanine, which is neutral and non-polar, with serine, which is neutral and polar, at codon 671 of the ABCC9 protein (p.Ala671Ser). This variant is not present in population databases (gnomAD no frequency). This variant has not been reported in the literature in individuals affected with ABCC9-related conditions. Invitae Evidence Modeling of protein sequence and biophysical properties (such as structural, functional, and spatial information, amino acid conservation, physicochemical variation, residue mobility, and thermodynamic stability) has been performed for this missense variant. However, the output from this modeling did not meet the statistical confidence thresholds required to predict the impact of this variant on ABCC9 protein function. In summary, the available evidence is currently insufficient to determine the role of this variant in disease. Therefore, it has been classified as a Variant of Uncertain Significance.